The following is an entry in ClinVar:

ClinVar aggregate classification (germline): Uncertain significance (1 of 4 stars; one submission).

Allele frequency attached by ClinVar (database versions not stated): ExAC 0.00001; gnomAD exomes 0.00001 and 0.00002; gnomAD 0.00002; TOPMed 0.00002.

Submission:

Labcorp Genetics (formerly Invitae), Labcorp
Classification: Uncertain significance. Last evaluated: 2024-02-10. Review status: criteria provided, single submitter. Criteria: Invitae Variant Classification Sherloc (09022015). Collection method: clinical testing. Allele origin: germline.
Comment: This sequence change replaces arginine, which is basic and polar, with glutamine, which is neutral and polar, at codon 82 of the MAPKAPK3 protein (p.Arg82Gln). This variant is present in population databases (rs777383707, gnomAD 0.009%). This missense change has been observed in individual(s) with inherited retinal dystrophy (PMID: 34662339). ClinVar contains an entry for this variant (Variation ID: 1489104). An algorithm developed to predict the effect of missense changes on protein structure and function (PolyPhen-2) suggests that this variant is likely to be tolerated. In summary, the available evidence is currently insufficient to determine the role of this variant in disease. Therefore, it has been classified as a Variant of Uncertain Significance.

Literature cited by the submitters: PubMed 34662339.

NM_001243925.2(MAPKAPK3):c.245G>A (p.Arg82Gln)

Gene: MAPKAPK3 (MAPK activated protein kinase 3; plus strand). Cytogenetic location: 3p21.2.
Variant type: single nucleotide variant.
Coding change: c.245G>A on transcript NM_001243925.2 (MANE Select); coding-DNA position 245, G replaced by A.
Protein change: p.Arg82Gln; replaces arginine 82 with glutamine.
Molecular consequence: missense variant.
Genome position (GRCh38, 1-based): chr3:50,640,391, G>A. VCF-style: chr3-50640391-G-A. GRCh37 (hg19) VCF-style: chr3-50677822-G-A.
Other names: c.245G>A, p.Arg82Gln (NM_001243926.2, NM_004635.5); short protein forms R82Q.
Identifiers: ClinVar variation 1489104 (VCV001489104.8), dbSNP rs777383707, ClinGen allele CA2420202.